The following is an entry in ClinVar:

NM_001080.3(ALDH5A1):c.1375G>A (p.Ala459Thr)

Gene: ALDH5A1 (aldehyde dehydrogenase 5 family member A1; plus strand). Cytogenetic location: 6p22.3.
Variant type: single nucleotide variant.
Coding change: c.1375G>A on transcript NM_001080.3 (MANE Select); coding-DNA position 1375, G replaced by A.
Protein change: p.Ala459Thr; replaces alanine 459 with threonine.
Molecular consequence: missense variant.
Genome position (GRCh38, 1-based): chr6:24,532,150, G>A. VCF-style: chr6-24532150-G-A. GRCh37 (hg19) VCF-style: chr6-24532378-G-A.
Other names: c.1231G>A, p.Ala411Thr (NM_001368954.1); c.1414G>A, p.Ala472Thr (NM_170740.1); short protein forms A411T, A459T, A472T.
Identifiers: ClinVar variation 660754 (VCV000660754.9), dbSNP rs749276622, ClinGen allele CA136113070.

ClinVar aggregate classification (germline): Uncertain significance (1 of 4 stars; one submission).

Conditions:
Succinate-semialdehyde dehydrogenase deficiency (SSADHD). Also called: Succinic Semialdehyde Dehydrogenase Deficiency; SSADH DEFICIENCY; 4-HYDROXYBUTYRIC ACIDURIA; GABA METABOLIC DEFECT. Identifiers: Orphanet 22, MedGen C0268631, MONDO:0010083, OMIM 271980.

gnomAD v4.1: 10 of 1,614,130 alleles (0.00062%); highest among the groups gnomAD compares: Admixed American, 0.005%; no homozygotes.

Submission:

Labcorp Genetics (formerly Invitae), Labcorp
Classification: Uncertain significance for Succinate-semialdehyde dehydrogenase deficiency. Last evaluated: 2023-11-27. Review status: criteria provided, single submitter. Criteria: Invitae Variant Classification Sherloc (09022015). Collection method: clinical testing. Allele origin: germline.
Comment: This sequence change replaces alanine, which is neutral and non-polar, with threonine, which is neutral and polar, at codon 459 of the ALDH5A1 protein (p.Ala459Thr). This variant is present in population databases (no rsID available, gnomAD 0.009%). This variant has not been reported in the literature in individuals affected with ALDH5A1-related conditions. ClinVar contains an entry for this variant (Variation ID: 660754). Advanced modeling of protein sequence and biophysical properties (such as structural, functional, and spatial information, amino acid conservation, physicochemical variation, residue mobility, and thermodynamic stability) performed at Invitae indicates that this missense variant is not expected to disrupt ALDH5A1 protein function with a negative predictive value of 80%. In summary, the available evidence is currently insufficient to determine the role of this variant in disease. Therefore, it has been classified as a Variant of Uncertain Significance.